The following is an entry in ClinVar:

NM_001161352.2(KCNMA1):c.1456G>A (p.Ala486Thr)

Gene: KCNMA1 (potassium calcium-activated channel subfamily M alpha 1; minus strand). Cytogenetic location: 10q22.3.
Variant type: single nucleotide variant.
Coding change: c.1456G>A on transcript NM_001161352.2 (MANE Select); coding-DNA position 1456, G replaced by A.
Protein change: p.Ala486Thr; replaces alanine 486 with threonine.
Molecular consequence: missense variant.
Genome position (GRCh38, 1-based): chr10:77,084,704, C>T on the plus strand (G>A on the coding strand, the complement: KCNMA1 is on the minus strand). VCF-style: chr10-77084704-C-T. GRCh37 (hg19) VCF-style: chr10-78844462-C-T.
Other names: c.1456G>A, p.Ala486Thr (NM_001014797.3, NM_001161353.2, NM_001271519.2 and 8 more transcripts); c.1294G>A, p.Ala432Thr (NM_001271518.2); c.916G>A, p.Ala306Thr (NM_001322838.2); short protein forms A306T, A432T, A486T.
Identifiers: ClinVar variation 2412927 (VCV002412927.3), dbSNP rs2550838650, ClinGen allele CA377406751.

ClinVar aggregate classification (germline): Uncertain significance (1 of 4 stars; one submission).

Submission:

GeneDx
Classification: Uncertain significance. Last evaluated: 2023-01-25. Review status: criteria provided, single submitter. Criteria: GeneDx Variant Classification Process June 2021. Collection method: clinical testing. Allele origin: germline. Affected: yes.
Comment: Not observed at significant frequency in large population cohorts (gnomAD); In silico analysis supports that this missense variant has a deleterious effect on protein structure/function; Has not been previously published as pathogenic or benign to our knowledge